The following is an entry in ClinVar:

NM_002468.5(MYD88):c.529G>A (p.Glu177Lys)

Gene: MYD88 (MYD88 innate immune signal transduction adaptor; plus strand). Cytogenetic location: 3p22.2.
Variant type: single nucleotide variant.
Coding change: c.529G>A on transcript NM_002468.5 (MANE Select); coding-DNA position 529, G replaced by A.
Protein change: p.Glu177Lys; replaces glutamic acid 177 with lysine.
Molecular consequence: missense variant. On other transcripts: intron variant (2).
Genome position (GRCh38, 1-based): chr3:38,140,453, G>A. VCF-style: chr3-38140453-G-A. GRCh37 (hg19) VCF-style: chr3-38181944-G-A.
Other names: c.529G>A, p.Glu177Lys (NM_001172567.2, NM_001365876.1, NM_001374787.1); c.394G>A, p.Glu132Lys (NM_001172568.2, NM_001365877.1); c.464-304G>A (NM_001172569.3); c.329-304G>A (NM_001172566.2); short protein forms E132K, E177K.
Identifiers: ClinVar variation 1057053 (VCV001057053.4), dbSNP rs145469177, ClinGen allele CA2316150.

ClinVar aggregate classification (germline): Uncertain significance (1 of 4 stars; one submission).

Conditions:
Pyogenic bacterial infections due to MyD88 deficiency (IMD68). Also called: PYOGENIC BACTERIAL INFECTIONS, RECURRENT, DUE TO MYD88 DEFICIENCY. Identifiers: Orphanet 183713, MedGen C2677092, MONDO:0012839, OMIM 612260.

Allele frequency attached by ClinVar (database versions not stated): ExAC 0.00004; TOPMed 0.00017; gnomAD exomes 0.00001 and 0.00004; gnomAD 0.00010 and 0.00007; ESP Exome Variant Server 0.00015.

Submission:

Labcorp Genetics (formerly Invitae), Labcorp
Classification: Uncertain significance for Pyogenic bacterial infections due to MyD88 deficiency. Last evaluated: 2023-08-04. Review status: criteria provided, single submitter. Criteria: Invitae Variant Classification Sherloc (09022015). Collection method: clinical testing. Allele origin: germline.
Comment: In summary, the available evidence is currently insufficient to determine the role of this variant in disease. Therefore, it has been classified as a Variant of Uncertain Significance. An algorithm developed to predict the effect of missense changes on protein structure and function (PolyPhen-2) suggests that this variant is likely to be disruptive. ClinVar contains an entry for this variant (Variation ID: 1057053). This variant has not been reported in the literature in individuals affected with MYD88-related conditions. This variant is present in population databases (rs145469177, gnomAD 0.03%). This sequence change replaces glutamic acid, which is acidic and polar, with lysine, which is basic and polar, at codon 190 of the MYD88 protein (p.Glu190Lys).